The following is an entry in ClinVar:

ClinVar aggregate classification (germline): Conflicting classifications of pathogenicity. Review status: criteria provided, conflicting classifications (1 of 4 stars). 7 submissions from 7 submitters: Uncertain significance (6); Benign (1). Last evaluated 2025-12-21.

Conditions:
Cardiovascular phenotype. Identifiers: MedGen CN230736.
Primary familial hypertrophic cardiomyopathy (HCM). Identifiers: Orphanet 99739, MedGen C0949658, MeSH D024741, MONDO:0024573. Inheritance: Various modes of inheritance.
Dilated cardiomyopathy 1AA (CMD1AA). Also called: Cardiomyopathy, dilated, 1AA, with or without LVNC; CARDIOMYOPATHY, DILATED, 1AA, WITH OR WITHOUT LEFT VENTRICULAR NONCOMPACTION; CARDIOMYOPATHY, FAMILIAL HYPERTROPHIC, 23, WITH OR WITHOUT LEFT VENTRICULAR NONCOMPACTION. Identifiers: Orphanet 154, MedGen C2677338, MONDO:0012808, OMIM 612158.
ACTN2-related disorder. Also called: ACTN2-related disorders; ACTN2 related condition.
Cardiomyopathy (CMYO). Also called: Cardiomyopathies. Identifiers: Orphanet 167848, MedGen C0878544, MONDO:0004994, HP:0001638. Inheritance: Various modes of inheritance.

Allele frequency attached by ClinVar (database versions not stated): TOPMed 0.00001; ExAC 0.00004; 1000 Genomes Project 30x 0.00016; 1000 Genomes Project 0.00020.
gnomAD v4.1: 24 of 1,614,184 alleles (0.0015%); highest among the groups gnomAD compares: East Asian, 0.016%; no homozygotes.

Submissions (7):

Labcorp Genetics (formerly Invitae), Labcorp
Classification: Benign for Primary familial hypertrophic cardiomyopathy; Dilated cardiomyopathy 1AA. Last evaluated: 2025-12-21. Review status: criteria provided, single submitter. Criteria: Invitae Variant Classification Sherloc (09022015). Collection method: clinical testing. Allele origin: germline.

Revvity Omics, Revvity
Classification: Uncertain significance. Last evaluated: 2024-06-27. Review status: criteria provided, single submitter. Criteria: ACMG Guidelines, 2015. Collection method: clinical testing. Allele origin: germline.

Ambry Genetics
Classification: Uncertain significance for Cardiovascular phenotype. Last evaluated: 2023-09-06. Review status: criteria provided, single submitter. Criteria: Ambry Variant Classification Scheme 2023. Collection method: clinical testing. Allele origin: germline.
Comment: The p.A453V variant (also known as c.1358C>T), located in coding exon 12 of the ACTN2 gene, results from a C to T substitution at nucleotide position 1358. The alanine at codon 453 is replaced by valine, an amino acid with similar properties. This alteration has been reported as a secondary cardiac variant in an exome cohort (Ng D et al. Circ Cardiovasc Genet, 2013 Aug;6:337-46). This amino acid position is highly conserved in available vertebrate species. In addition, the in silico prediction for this alteration is inconclusive. Since supporting evidence is limited at this time, the clinical significance of this alteration remains unclear.

PreventionGenetics, part of Exact Sciences
Classification: Uncertain significance for ACTN2-related condition. Last evaluated: 2022-11-25. Review status: criteria provided, single submitter. Criteria: ACMG Guidelines, 2015. Collection method: clinical testing. Allele origin: germline.
Comment: The ACTN2 c.1358C>T variant is predicted to result in the amino acid substitution p.Ala453Val. To our knowledge, this variant has not been reported in individuals with ACTN2-associated phenotypes in the literature. This variant is reported in 0.033% of alleles in individuals of East Asian descent in gnomAD. At this time, the clinical significance of this variant is uncertain due to the absence of conclusive functional and genetic evidence.

CHEO Genetics Diagnostic Laboratory, Children's Hospital of Eastern Ontario
Classification: Uncertain significance for Cardiomyopathy. Last evaluated: 2015-11-26. Review status: criteria provided, single submitter. Criteria: ACMG Guidelines, 2015. Collection method: clinical testing. Allele origin: germline. Study: Canadian Open Genetics Repository.

Laboratory for Molecular Medicine, Mass General Brigham Personalized Medicine
Classification: Uncertain significance. Last evaluated: 2015-04-04. Review status: criteria provided, single submitter. Criteria: LMM Criteria. Collection method: clinical testing. Allele origin: germline. Observed: 1 variant allele.
Comment: The p.Ala453Val variant in ACTN2 has not been previously reported in individuals with cardiomyopathy, but has been identified in 3/8614 East Asian chromosomes b y the Exome Aggregation Consortium (ExAC). Compu tational prediction tools and conservation analysis suggest that the p.Ala453Val variant may impact the protein, though this information is not predictive enoug h to determine pathogenicity. In summary, the clinical significance of the p.Ala 453Val variant is uncertain.

Biesecker Lab/Clinical Genomics Section, National Institutes of Health
Classification: Uncertain significance. Last evaluated: 2013-06-24. Review status: criteria provided, single submitter. Criteria: Ng et al. (Circ Cardiovasc Genet. 2013). Collection method: research. Allele origin: unknown. Observed: 1 variant allele. Study: ClinSeq.
Comment: The study set was not selected for affection status in relation to any cancer. Pathogenicity categories were based on literature curation. See Pubmed ID:23861362 for details.

Medical sequencing

Literature cited by the submitters: PubMed 23861362 (cited by Ambry Genetics).

NM_001103.4(ACTN2):c.1358C>T (p.Ala453Val)

Gene: ACTN2 (actinin alpha 2; plus strand). Cytogenetic location: 1q43.
Variant type: single nucleotide variant.
Coding change: c.1358C>T on transcript NM_001103.4 (MANE Select); coding-DNA position 1358, C replaced by T.
Protein change: p.Ala453Val; replaces alanine 453 with valine.
Molecular consequence: missense variant.
Genome position (GRCh38, 1-based): chr1:236,744,728, C>T. VCF-style: chr1-236744728-C-T. GRCh37 (hg19) VCF-style: chr1-236908028-C-T.
Other names: c.1358C>T, p.Ala453Val (NM_001278343.2); c.734C>T, p.Ala245Val (NM_001278344.2); short protein forms A453V, A245V.
Identifiers: ClinVar variation 191594 (VCV000191594.19), dbSNP rs566860712, ClinGen allele CA237013.
Genomic context (GRCh38, chr1:236,744,728, plus strand): 5'-CGCTGACAGAGGTGCGGGCTCTGCTGCGGAAGCACGAGGCGTTCGAGAGCGACCTGGCAG[C>T]GCACCAGGACCGCGTGGAGCAGATCGCAGCCATCGCGCAGGAGCTCAAGTATGTGCAGAT-3'
Protein context (NP_001094.1, residues 443-463): KHEAFESDLA[Ala453Val]HQDRVEQIAA